The following is an entry in ClinVar:

ClinVar aggregate classification (germline): Likely benign. Review status: criteria provided, multiple submitters, no conflicts (2 of 4 stars). 3 submissions from 3 submitters: Likely benign (3). Last evaluated 2025-09-09.

Conditions:
CEP78-related disorder. Also called: CEP78-related condition.

Allele frequency attached by ClinVar (database versions not stated): TOPMed below 0.00001; gnomAD exomes 0.00002; ExAC 0.00003.
gnomAD v4.1: 15 of 1,466,080 alleles (0.001%); highest among the groups gnomAD compares: East Asian, 0.026%; no homozygotes.

Submissions (3):

Labcorp Genetics (formerly Invitae), Labcorp
Classification: Likely benign. Last evaluated: 2025-09-09. Review status: criteria provided, single submitter. Criteria: Invitae Variant Classification Sherloc (09022015). Collection method: clinical testing. Allele origin: germline.

PreventionGenetics, part of Exact Sciences
Classification: Likely benign for CEP78-related condition. Last evaluated: 2024-12-23. Review status: criteria provided, single submitter. Criteria: ACMG Guidelines, 2015. Collection method: clinical testing. Allele origin: germline.
Comment: This variant is classified as likely benign based on ACMG/AMP sequence variant interpretation guidelines (Richards et al. 2015 PMID: 25741868, with internal and published modifications).

Blueprint Genetics
Classification: Likely benign. Last evaluated: 2024-09-11. Review status: criteria provided, single submitter. Criteria: ACMG Guidelines, 2015. Collection method: clinical testing. Allele origin: germline.

NM_001330691.3(CEP78):c.892+7C>T

Gene: CEP78 (centrosomal protein 78; plus strand). Cytogenetic location: 9q21.2.
Variant type: single nucleotide variant.
Coding change: c.892+7C>T on transcript NM_001330691.3 (MANE Select); 7 bases into the intron after coding-DNA position 892, C replaced by T.
Molecular consequence: intron variant.
Genome position (GRCh38, 1-based): chr9:78,246,789, C>T. VCF-style: chr9-78246789-C-T. GRCh37 (hg19) VCF-style: chr9-80861705-C-T.
Other names: c.892+7C>T (NM_001349839.2, NM_001349840.2, NM_001330693.3 and 5 more transcripts).
Identifiers: ClinVar variation 1104448 (VCV001104448.11), dbSNP rs762067410, ClinGen allele CA5095053.